The following is an entry in ClinVar:

NM_015512.5(DNAH1):c.11671C>G (p.Arg3891Gly)

Gene: DNAH1 (dynein axonemal heavy chain 1; plus strand). Cytogenetic location: 3p21.1.
Variant type: single nucleotide variant.
Coding change: c.11671C>G on transcript NM_015512.5 (MANE Select); coding-DNA position 11671, C replaced by G.
Protein change: p.Arg3891Gly; replaces arginine 3891 with glycine.
Molecular consequence: missense variant.
Genome position (GRCh38, 1-based): chr3:52,396,928, C>G. VCF-style: chr3-52396928-C-G. GRCh37 (hg19) VCF-style: chr3-52430944-C-G.
Other names: short protein forms R3891G.
Identifiers: ClinVar variation 858324 (VCV000858324.7), dbSNP rs774152723, ClinGen allele CA2436251.

ClinVar aggregate classification (germline): Uncertain significance (1 of 4 stars; one submission).

Conditions:
Ciliary dyskinesia, primary, 37 (CILD37). Also called: CILIARY DYSKINESIA, PRIMARY, 37, WITH OR WITHOUT SITUS INVERSUS. Identifiers: MedGen C4539798, MONDO:0033204, OMIM 617577.
Spermatogenic failure 18. Identifiers: MedGen C4539783, MONDO:0054615, OMIM 617576.

gnomAD v4.1: 5 of 1,613,496 alleles (0.00031%); highest among the groups gnomAD compares: Admixed American, 0.0067%; no homozygotes.

Submission:

Labcorp Genetics (formerly Invitae), Labcorp
Classification: Uncertain significance for Ciliary dyskinesia, primary, 37; Spermatogenic failure 18. Last evaluated: 2021-07-16. Review status: criteria provided, single submitter. Criteria: Invitae Variant Classification Sherloc (09022015). Collection method: clinical testing. Allele origin: germline.
Comment: In summary, the available evidence is currently insufficient to determine the role of this variant in disease. Therefore, it has been classified as a Variant of Uncertain Significance. This sequence change replaces arginine with glycine at codon 3891 of the DNAH1 protein (p.Arg3891Gly). The arginine residue is highly conserved and there is a moderate physicochemical difference between arginine and glycine. This variant is present in population databases (rs774152723, ExAC 0.03%). This variant has not been reported in the literature in individuals with DNAH1-related conditions. Algorithms developed to predict the effect of missense changes on protein structure and function are either unavailable or do not agree on the potential impact of this missense change (SIFT: "Deleterious"; PolyPhen-2: "Probably Damaging"; Align-GVGD: "Class C0").